The following is an entry in ClinVar:

NM_007375.4(TARDBP):c.1133A>G (p.Asn378Ser)

Gene: TARDBP (TAR DNA binding protein; plus strand). Cytogenetic location: 1p36.22.
Variant type: single nucleotide variant.
Coding change: c.1133A>G on transcript NM_007375.4 (MANE Select); coding-DNA position 1133, A replaced by G.
Protein change: p.Asn378Ser; replaces asparagine 378 with serine.
Molecular consequence: missense variant.
Genome position (GRCh38, 1-based): chr1:11,022,542, A>G. VCF-style: chr1-11022542-A-G. GRCh37 (hg19) VCF-style: chr1-11082599-A-G.
Other names: short protein forms N378S.
Identifiers: ClinVar variation 2501300 (VCV002501300.2), dbSNP rs1553159739, ClinGen allele CA338368267.

ClinVar aggregate classification (germline): Likely pathogenic (1 of 4 stars; one submission).

Conditions:
Amyotrophic lateral sclerosis type 10 (ALS10). Also called: TARDBP-Related Amyotrophic Lateral Sclerosis-Frontotemporal Dementia; AMYOTROPHIC LATERAL SCLEROSIS 10 WITHOUT FRONTOTEMPORAL DEMENTIA AND WITH TDP43 INCLUSIONS; AMYOTROPHIC LATERAL SCLEROSIS 10 WITH OR WITHOUT FRONTOTEMPORAL DEMENTIA AND WITH TDP43 INCLUSIONS; AMYOTROPHIC LATERAL SCLEROSIS 10 WITH OR WITHOUT FRONTOTEMPORAL DEMENTIA; Amyotrophic lateral sclerosis 10, with or without FTD. Identifiers: Orphanet 275872, Orphanet 803, MedGen C2677565, MONDO:0012790, OMIM 612069.

Submission:

Suna and Inan Kirac Foundation Neurodegeneration Research Laboratory, Koc University
Classification: Likely pathogenic for Amyotrophic lateral sclerosis type 10. Review status: criteria provided, single submitter. Criteria: ACMG Guidelines, 2015. Collection method: clinical testing. Allele origin: germline. Inheritance: Autosomal recessive inheritance. Affected: yes. Observed: 1 homozygote.
Comment: In Huang et al., 2012 this mutation was reported as heterozygous in a sporadic ALS patient and absent in 400 healthy controls. The complaints and age of disease onset were similar to our case. It was suggested that the mutation has low penetrance since the patient appeared sporadic.

Literature cited by the submitters: PubMed 20708823.